The following is an entry in ClinVar:

NM_006269.2(RP1):c.991A>G (p.Met331Val)

Gene: RP1 (RP1 axonemal microtubule associated; plus strand). Cytogenetic location: 8q12.1.
Variant type: single nucleotide variant.
Coding change: c.991A>G on transcript NM_006269.2 (MANE Select); coding-DNA position 991, A replaced by G.
Protein change: p.Met331Val; replaces methionine 331 with valine.
Molecular consequence: missense variant. On other transcripts: intron variant (1).
Genome position (GRCh38, 1-based): chr8:54,624,873, A>G. VCF-style: chr8-54624873-A-G. GRCh37 (hg19) VCF-style: chr8-55537433-A-G.
Other names: c.787+2585A>G (NM_001375654.1); short protein forms M331V.
Identifiers: ClinVar variation 1493060 (VCV001493060.6), dbSNP rs370586234, ClinGen allele CA4751303.
Genomic context (GRCh38, chr8:54,624,873, plus strand): 5'-CCAATATATCCTTCTGAAGATGATATTGAGAAATCAATTATTTTTAATCAAGACGGCACT[A>G]TGACAGTTGAGATGAAAGTTCGATTCAGAATAAAAGAGGAAGAAACCATAAAATGGACAA-3'
Protein context (NP_006260.1, residues 321-341): KSIIFNQDGT[Met331Val]TVEMKVRFRI

ClinVar aggregate classification (germline): Uncertain significance (1 of 4 stars; one submission).

Allele frequency attached by ClinVar (database versions not stated): ExAC 0.00001; gnomAD 0.00001; gnomAD exomes 0.00001 and 0.00002; TOPMed 0.00002; ESP Exome Variant Server 0.00008.
gnomAD v4.1: 7 of 1,613,770 alleles (0.00043%); highest among the groups gnomAD compares: African/African-American, 0.0027%; no homozygotes.

Submission:

Labcorp Genetics (formerly Invitae), Labcorp
Classification: Uncertain significance. Last evaluated: 2025-08-04. Review status: criteria provided, single submitter. Criteria: Invitae Variant Classification Sherloc (09022015). Collection method: clinical testing. Allele origin: germline.
Comment: This sequence change replaces methionine, which is neutral and non-polar, with valine, which is neutral and non-polar, at codon 331 of the RP1 protein (p.Met331Val). This variant is present in population databases (rs370586234, gnomAD 0.008%). This variant has not been reported in the literature in individuals affected with RP1-related conditions. ClinVar contains an entry for this variant (Variation ID: 1493060). An algorithm developed to predict the effect of missense changes on protein structure and function (PolyPhen-2) suggests that this variant is likely to be disruptive. In summary, the available evidence is currently insufficient to determine the role of this variant in disease. Therefore, it has been classified as a Variant of Uncertain Significance.